The following is an entry in ClinVar:

ClinVar aggregate classification (germline): Uncertain significance (1 of 4 stars; one submission).

Conditions:
Kabuki syndrome. Also called: NIIKAWA-KUROKI SYNDROME; Kabuki make-up syndrome. Identifiers: Orphanet 2322, MedGen C0796004, MONDO:0016512.

Submission:

Labcorp Genetics (formerly Invitae), Labcorp
Classification: Uncertain significance for Kabuki syndrome. Last evaluated: 2024-09-16. Review status: criteria provided, single submitter. Criteria: Invitae Variant Classification Sherloc (09022015). Collection method: clinical testing. Allele origin: germline.
Comment: This sequence change falls in intron 4 of the KMT2D gene. It does not directly change the encoded amino acid sequence of the KMT2D protein. The frequency data for this variant in the population databases is considered unreliable, as metrics indicate poor data quality at this position in the gnomAD database. This variant has not been reported in the literature in individuals affected with KMT2D-related conditions. Algorithms developed to predict the effect of sequence changes on RNA splicing suggest that this variant may disrupt the consensus splice site. In summary, the available evidence is currently insufficient to determine the role of this variant in disease. Therefore, it has been classified as a Variant of Uncertain Significance.

NM_003482.4(KMT2D):c.511-7C>G

Gene: KMT2D (lysine methyltransferase 2D; minus strand). Cytogenetic location: 12q13.12.
Variant type: single nucleotide variant.
Coding change: c.511-7C>G on transcript NM_003482.4 (MANE Select); 7 bases into the intron before coding-DNA position 511, C replaced by G.
Molecular consequence: intron variant.
Genome position (GRCh38, 1-based): chr12:49,054,147, G>C on the plus strand (C>G on the coding strand, the complement: KMT2D is on the minus strand). VCF-style: chr12-49054147-G-C. GRCh37 (hg19) VCF-style: chr12-49447930-G-C.
Identifiers: ClinVar variation 3696824 (VCV003696824.2).